The following is an entry in ClinVar:

NM_001360016.2(G6PD):c.1134C>T (p.Gly378=)

Gene: G6PD (glucose-6-phosphate dehydrogenase; minus strand). Cytogenetic location: Xq28.
Variant type: single nucleotide variant.
Coding change: c.1134C>T on transcript NM_001360016.2 (MANE Select); coding-DNA position 1134, C replaced by T.
Protein change: p.Gly378=; no amino-acid change (glycine 378 retained).
Molecular consequence: synonymous variant.
Genome position (GRCh38, 1-based): chrX:154,532,720, G>A on the plus strand (C>T on the coding strand, the complement: G6PD is on the minus strand). VCF-style: chrX-154532720-G-A. GRCh37 (hg19) VCF-style: chrX-153760935-G-A.
Other names: c.1224C>T, p.Gly408= (NM_000402.4); c.1134C>T, p.Gly378= (NM_001042351.3).
Identifiers: ClinVar variation 2062063 (VCV002062063.7), dbSNP rs200195961, ClinGen allele CA10566074.
Genomic context (GRCh38, chrX:154,532,720, plus strand): 5'-CTCGTTGGGCTGCACGCGGATCACCAGCTCGTTGCGCTTGCACTGCTGGTGGAAGATGTC[G>A]CCGGCCACATCATGGAACTGCAGCCTCACCTCGGCCTTGCGCTCGTTCAGGGCCTTGCCG-3'
Protein context (NP_001346945.1, residues 368-388): EVRLQFHDVA[Gly378=]DIFHQQCKRN

ClinVar aggregate classification (germline): Likely benign. Review status: criteria provided, multiple submitters, no conflicts (2 of 4 stars). 3 submissions from 3 submitters: Likely benign (2). 1 of the submissions does not count toward it. Last evaluated 2025-12-06.

Conditions:
G6PD-related disorder. Also called: G6PD-related condition.
Anemia, nonspherocytic hemolytic, due to G6PD deficiency (CNSHA1). Also called: Hemolytic anemia due to G6PD deficiency; ANEMIA, CONGENITAL, NONSPHEROCYTIC HEMOLYTIC, 1; Class I glucose-6-phosphate dehydrogenase deficiency; Favism, susceptibility to. Identifiers: Orphanet 466026, MedGen C2720289, MONDO:0010480, OMIM 300908.

Allele frequency attached by ClinVar (database versions not stated): ExAC 0.00007; gnomAD exomes 0.00007; TOPMed 0.00016; gnomAD 0.00022.
gnomAD v4.1: 104 of 1,210,797 alleles (0.0086%); highest among the groups gnomAD compares: African/African-American, 0.059%; no homozygotes.

Submissions (3):

Labcorp Genetics (formerly Invitae), Labcorp
Classification: Likely benign for Anemia, nonspherocytic hemolytic, due to G6PD deficiency. Last evaluated: 2025-12-06. Review status: criteria provided, single submitter. Criteria: Invitae Variant Classification Sherloc (09022015). Collection method: clinical testing. Allele origin: germline.

Blueprint Genetics
Classification: Likely benign. Last evaluated: 2023-08-17. Review status: criteria provided, single submitter. Criteria: ACMG Guidelines, 2015. Collection method: clinical testing. Allele origin: germline.

PreventionGenetics, part of Exact Sciences
Classification: Likely benign for G6PD-related condition. Last evaluated: 2023-08-03. Review status: no assertion criteria provided. Collection method: clinical testing. Allele origin: germline. Not counted in ClinVar's aggregate classification.
Comment: This variant is classified as likely benign based on ACMG/AMP sequence variant interpretation guidelines (Richards et al. 2015 PMID: 25741868, with internal and published modifications).